The following is an entry in ClinVar:

ClinVar aggregate classification (germline): Conflicting classifications of pathogenicity. Review status: criteria provided, conflicting classifications (1 of 4 stars). 5 submissions from 5 submitters: Uncertain significance (1); Likely benign (3). 1 of the submissions does not count toward it. Last evaluated 2025-09-09.

Conditions:
Cardiovascular phenotype. Identifiers: MedGen CN230736.
SCN10A-related disorder. Also called: SCN10A-related condition.
Brugada syndrome. Also called: Sudden unexplained nocturnal death syndrome; Sudden unexpected nocturnal death syndrome; Sudden Unexplained Death Syndrome; Sudden Unexplained Nocturnal Death Syndrome (SUNDS). Identifiers: Orphanet 130, MedGen C1142166, MONDO:0015263.

Allele frequency attached by ClinVar (database versions not stated): gnomAD exomes 0.00002 and 0.00004; TOPMed 0.00003; ExAC 0.00004; gnomAD 0.00004 and 0.00005.
gnomAD v4.1: 42 of 1,614,014 alleles (0.0026%); highest among the groups gnomAD compares: Non-Finnish European, 0.0023%; no homozygotes.

Submissions (5):

Labcorp Genetics (formerly Invitae), Labcorp
Classification: Likely benign for Brugada syndrome. Last evaluated: 2025-09-09. Review status: criteria provided, single submitter. Criteria: Invitae Variant Classification Sherloc (09022015). Collection method: clinical testing. Allele origin: germline.

Ambry Genetics
Classification: Uncertain significance for Cardiovascular phenotype. Last evaluated: 2025-05-05. Review status: criteria provided, single submitter. Criteria: Ambry Variant Classification Scheme 2023. Collection method: clinical testing. Allele origin: germline.
Comment: The c.1890G>A variant (also known as p.K630K), located in coding exon 13 of the SCN10A gene, results from a G to A substitution at nucleotide position 1890. This nucleotide substitution does not change the amino acid at codon 630. This nucleotide position is not well conserved in available vertebrate species. In silico splice site analysis for this alteration is inconclusive. The evidence for this gene-disease relationship is limited; therefore, the clinical significance of this alteration is unclear.

Blueprint Genetics
Classification: Likely benign. Last evaluated: 2021-11-16. Review status: criteria provided, single submitter. Criteria: ACMG Guidelines, 2015. Collection method: clinical testing. Allele origin: germline.

CeGaT Center for Human Genetics Tuebingen
Classification: Likely benign. Last evaluated: 2020-05-01. Review status: criteria provided, single submitter. Criteria: CeGaT Center For Human Genetics Tuebingen Variant Classification Criteria Version 2. Collection method: clinical testing. Allele origin: germline. Affected: yes. Observed: 1 variant allele.

PreventionGenetics, part of Exact Sciences
Classification: Likely benign for SCN10A-related condition. Last evaluated: 2019-08-20. Review status: no assertion criteria provided. Collection method: clinical testing. Allele origin: germline. Not counted in ClinVar's aggregate classification.
Comment: This variant is classified as likely benign based on ACMG/AMP sequence variant interpretation guidelines (Richards et al. 2015 PMID: 25741868, with internal and published modifications).

NM_006514.4(SCN10A):c.1890G>A (p.Lys630=)

Gene: SCN10A (sodium voltage-gated channel alpha subunit 10; minus strand). Cytogenetic location: 3p22.2.
Variant type: single nucleotide variant.
Coding change: c.1890G>A on transcript NM_006514.4 (MANE Select); coding-DNA position 1890, G replaced by A.
Protein change: p.Lys630=; no amino-acid change (lysine 630 retained).
Molecular consequence: synonymous variant.
Genome position (GRCh38, 1-based): chr3:38,742,507, C>T on the plus strand (G>A on the coding strand, the complement: SCN10A is on the minus strand). VCF-style: chr3-38742507-C-T. GRCh37 (hg19) VCF-style: chr3-38783998-C-T.
Other names: c.1890G>A, p.Lys630= (NM_001293306.2); c.1596G>A, p.Lys532= (NM_001293307.2); c.1890G>A (NM_006514.3, NM_006514.2).
Identifiers: ClinVar variation 932387 (VCV000932387.47), dbSNP rs764191883, ClinGen allele CA2320699.